The following is an entry in ClinVar:

NM_000195.5(HPS1):c.822G>A (p.Trp274Ter)

Gene: HPS1 (HPS1 biogenesis of lysosomal organelles complex 3 subunit 1; minus strand). Cytogenetic location: 10q24.2.
Variant type: single nucleotide variant.
Coding change: c.822G>A on transcript NM_000195.5 (MANE Select); coding-DNA position 822, G replaced by A.
Protein change: p.Trp274Ter; replaces tryptophan 274 with a stop codon.
Molecular consequence: nonsense. On other transcripts: 5 prime UTR variant (1), missense variant (1), intron variant (8).
Genome position (GRCh38, 1-based): chr10:98,429,836, C>T on the plus strand (G>A on the coding strand, the complement: HPS1 is on the minus strand). VCF-style: chr10-98429836-C-T. GRCh37 (hg19) VCF-style: chr10-100189593-C-T.
Other names: c.822G>A, p.Trp274Ter (NM_001322476.2, NM_001322477.2, NM_182639.4); c.561G>A, p.Trp187Ter (NM_001322480.2, NM_001322481.2); c.453G>A, p.Trp151Ter (NM_001322483.2, NM_001322484.2); c.-151G>A (NM_001322487.2); c.704G>A, p.Gly235Glu (NM_001322490.2); c.769-194G>A (NM_001322478.2, NM_001322479.2, NM_001322491.2); c.400-194G>A (NM_001322485.2); c.508-194G>A (NM_001322482.2); and 2 more; short protein forms G235E, W187*, W151*, W274*.
Identifiers: ClinVar variation 2693373 (VCV002693373.3), dbSNP rs2538904209, ClinGen allele CA378051554.

ClinVar aggregate classification (germline): Pathogenic (1 of 4 stars; one submission).

Submission:

Labcorp Genetics (formerly Invitae), Labcorp
Classification: Pathogenic. Last evaluated: 2023-12-27. Review status: criteria provided, single submitter. Criteria: Invitae Variant Classification Sherloc (09022015). Collection method: clinical testing. Allele origin: germline.
Comment: This sequence change creates a premature translational stop signal (p.Trp274*) in the HPS1 gene. It is expected to result in an absent or disrupted protein product. Loss-of-function variants in HPS1 are known to be pathogenic (PMID: 12442288, 16185271). This variant is not present in population databases (gnomAD no frequency). This variant has not been reported in the literature in individuals affected with HPS1-related conditions. For these reasons, this variant has been classified as Pathogenic.

Literature cited by the submitters: PubMed 12442288; PubMed 16185271.